The following is an entry in ClinVar:

ClinVar aggregate classification (germline): Uncertain significance (1 of 4 stars; one submission).

Submission:

Women's Health and Genetics/Laboratory Corporation of America, LabCorp
Classification: Uncertain significance. Last evaluated: 2024-01-22. Review status: criteria provided, single submitter. Criteria: LabCorp Variant Classification Summary - May 2015. Collection method: clinical testing. Allele origin: germline.
Comment: Variant summary: The variant involves the duplication of exons 1-12 in the GPT2 gene. A presumed nomenclature of c.(?_-129)_(*2293_?)dup has been designated for the purposes of this classification. This duplication includes the entire coding sequence of the gene. As exact breakpoints are unknown, it may extend beyond the annotated region of the gene, to include other flanking genes. The variant was absent in 21694 control chromosomes (gnomAD, structural variants dataset). The available data on variant occurrences in the general population are insufficient to allow any conclusion about variant significance. To our knowledge, no occurrence of c.(?_-129)_(*2293_?)dup in individuals affected with Glutamate Pyruvate Transaminase 2 Deficiency and no experimental evidence demonstrating its impact on protein function have been reported. No submitters have cited clinical-significance assessments for this variant to ClinVar. Based on the evidence outlined above, the variant was classified as uncertain significance.

NC_000016.9:g.(?_46918273)_(46965202_?)dup

Gene: GPT2 (glutamic--pyruvic transaminase 2; plus strand). Cytogenetic location: 16q11.2.
Variant type: Duplication.
Identifiers: ClinVar variation 3063636 (VCV003063636.1).